The following is an entry in ClinVar:

ClinVar aggregate classification (germline): Uncertain significance. Review status: criteria provided, multiple submitters, no conflicts (2 of 4 stars). 7 submissions from 7 submitters: Uncertain significance (7). Last evaluated 2026-01-08.

Conditions:
Familial adenomatous polyposis 4 (FAP4). Also called: MSH3-related attenuated familial adenomatous polyposis. Identifiers: Orphanet 480536, MedGen C4310719, MONDO:0044300, OMIM 617100.
Endometrial carcinoma. Also called: Endometrial carcinoma, somatic. Identifiers: MedGen C0476089, MONDO:0002447, OMIM 608089, HP:0012114.
Hereditary cancer-predisposing syndrome. Also called: Hereditary neoplastic syndrome; Neoplastic Syndromes, Hereditary; Hereditary Cancer Syndrome; Tumor predisposition. Identifiers: Orphanet 140162, MedGen C0027672, MeSH D009386, MONDO:0015356.

Allele frequency attached by ClinVar (database versions not stated): gnomAD below 0.00001 and 0.00001; 1000 Genomes Project 30x 0.00016; 1000 Genomes Project 0.00020; gnomAD exomes 0.00020.
gnomAD v4.1: 122 of 1,613,388 alleles (0.0076%); highest among the groups gnomAD compares: South Asian, 0.12%; 1 homozygote.

Submissions (7):

Labcorp Genetics (formerly Invitae), Labcorp
Classification: Uncertain significance. Last evaluated: 2026-01-08. Review status: criteria provided, single submitter. Criteria: Invitae Variant Classification Sherloc (09022015). Collection method: clinical testing. Allele origin: germline.
Comment: This sequence change replaces isoleucine, which is neutral and non-polar, with valine, which is neutral and non-polar, at codon 998 of the MSH3 protein (p.Ile998Val). This variant is present in population databases (rs548030451, gnomAD 0.2%). This variant has not been reported in the literature in individuals affected with MSH3-related conditions. ClinVar contains an entry for this variant (Variation ID: 659907). An algorithm developed to predict the effect of missense changes on protein structure and function (PolyPhen-2) suggests that this variant is likely to be disruptive. In summary, the available evidence is currently insufficient to determine the role of this variant in disease. Therefore, it has been classified as a Variant of Uncertain Significance.

Center for Genomic Medicine, Rigshospitalet, Copenhagen University Hospital
Classification: Uncertain significance. Last evaluated: 2025-03-04. Review status: criteria provided, single submitter. Criteria: ACMG Guidelines, 2015. Collection method: clinical testing. Allele origin: germline.

Quest Diagnostics Nichols Institute San Juan Capistrano
Classification: Uncertain significance. Last evaluated: 2024-12-23. Review status: criteria provided, single submitter. Criteria: Quest Diagnostics criteria. Collection method: clinical testing. Allele origin: unknown.
Comment: The MSH3 c.2992A>G (p.Ile998Val) variant has been reported in the published literature in an individual with breast cancer (PMID: 37656691 (2023)). The frequency of this variant in the general population (Genome Aggregation Database) is higher than would generally be expected for pathogenic variants in this gene. Analysis of this variant using bioinformatics tools for the prediction of the effect of amino acid changes on protein structure and function yielded conflicting predictions that this variant is benign or damaging. Based on the available information, we are unable to determine the clinical significance of this variant.

Department of Pathology and Laboratory Medicine, Sinai Health System
Classification: Uncertain significance for Endometrial carcinoma; Familial adenomatous polyposis 4. Last evaluated: 2024-11-21. Review status: criteria provided, single submitter. Criteria: ACMG Guidelines, 2015. Collection method: clinical testing. Allele origin: germline.

Ambry Genetics
Classification: Uncertain significance for Hereditary cancer-predisposing syndrome. Last evaluated: 2024-08-01. Review status: criteria provided, single submitter. Criteria: Ambry Variant Classification Scheme 2023. Collection method: clinical testing. Allele origin: germline.
Comment: The p.I998V variant (also known as c.2992A>G), located in coding exon 21 of the MSH3 gene, results from an A to G substitution at nucleotide position 2992. The isoleucine at codon 998 is replaced by valine, an amino acid with highly similar properties. This alteration was identified in 1/1358 non-cancer control individuals and in 0/57 cases, in a study looking at cancer predisposition mutations in patients with cutaneous melanoma and a history of at least two additional non-cutaneous melanoma primary cancers (Pritchard AL et al. PLoS One, 2018 Apr;13:e0194098). This amino acid position is highly conserved in available vertebrate species. In addition, this alteration is predicted to be tolerated by in silico analysis. Since supporting evidence is limited at this time, the clinical significance of this alteration remains unclear.

Baylor Genetics
Classification: Uncertain significance for Endometrial carcinoma. Last evaluated: 2024-01-03. Review status: criteria provided, single submitter. Criteria: ACMG Guidelines, 2015. Collection method: clinical testing. Allele origin: unknown.

Sema4
Classification: Uncertain significance for Hereditary cancer-predisposing syndrome. Last evaluated: 2022-01-02. Review status: criteria provided, single submitter. Criteria: Sema4 Curation Guidelines. Collection method: curation. Allele origin: germline.
Comment: The MSH3 c.2992A>G (p.I998V) variant has not been reported in the literature to our knowledge. It was observed in 47/30608 chromosomes of the South Asian subpopulation in the large and broad cohorts of the Genome Aggregation Database (PMID: 32461654). The variant has been reported in ClinVar (Variation ID 659907). Functional studies have not been performed, and in silico predictions of the variant's effect on protein function are inconclusive. The evidence is insufficient to meet ACMG/AMP criteria for classifying the variant as benign or pathogenic. Thus, the clinical significance of this variant is currently uncertain.

Literature cited by the submitters: PubMed 37656691 (cited by Quest Diagnostics Nichols Institute San Juan Capistrano); PubMed 29641532 (cited by 3 submitters).

NM_002439.5(MSH3):c.2992A>G (p.Ile998Val)

Gene: MSH3 (mutS homolog 3; plus strand). Cytogenetic location: 5q14.1.
Variant type: single nucleotide variant.
Coding change: c.2992A>G on transcript NM_002439.5 (MANE Select); coding-DNA position 2992, A replaced by G.
Protein change: p.Ile998Val; replaces isoleucine 998 with valine.
Molecular consequence: missense variant.
Genome position (GRCh38, 1-based): chr5:80,854,308, A>G. VCF-style: chr5-80854308-A-G. GRCh37 (hg19) VCF-style: chr5-80150127-A-G.
Other names: short protein forms I998V.
Identifiers: ClinVar variation 659907 (VCV000659907.25), dbSNP rs548030451, ClinGen allele CA3328410.